The following is an entry in ClinVar:

ClinVar aggregate classification (germline): Pathogenic (1 of 4 stars; one submission).

Conditions:
Familial adenomatous polyposis 1 (FAP1). Also called: FAMILIAL ADENOMATOUS POLYPOSIS 1, ATTENUATED; POLYPOSIS, ADENOMATOUS INTESTINAL. Identifiers: MedGen C2713442, MONDO:0021056, OMIM 175100. Disease mechanism: loss of function.

Submission:

Myriad Genetics, Inc.
Classification: Pathogenic for Familial adenomatous polyposis 1. Last evaluated: 2023-04-28. Review status: criteria provided, single submitter. Criteria: Myriad Autosomal Dominant, Autosomal Recessive and X-Linked Classification Criteria (2023). Collection method: clinical testing. Allele origin: unknown.
Comment: This variant is considered pathogenic. This variant creates a termination codon and is predicted to result in premature protein truncation.

NM_000038.6(APC):c.1192A>T (p.Lys398Ter)

Gene: APC (APC regulator of Wnt signaling pathway; plus strand). Cytogenetic location: 5q22.2.
Variant type: single nucleotide variant.
Coding change: c.1192A>T on transcript NM_000038.6 (MANE Select); coding-DNA position 1192, A replaced by T.
Protein change: p.Lys398Ter; replaces lysine 398 with a stop codon.
Molecular consequence: nonsense. On other transcripts: non-coding transcript variant (2), intron variant (15).
Genome position (GRCh38, 1-based): chr5:112,819,224, A>T. VCF-style: chr5-112819224-A-T. GRCh37 (hg19) VCF-style: chr5-112154921-A-T.
Other names: c.1192A>T, p.Lys398Ter (NM_001127510.3, NM_001354895.2, NM_001354896.2 and 4 more transcripts); c.1138A>T, p.Lys380Ter (NM_001127511.3); c.1222A>T, p.Lys408Ter (NM_001354897.2, NM_001407446.1); c.1117A>T, p.Lys373Ter (NM_001354898.2, NM_001407451.1); c.1108A>T, p.Lys370Ter (NM_001354899.2, NM_001407452.1); c.1015A>T, p.Lys339Ter (NM_001354900.2, NM_001354901.2, NM_001407453.1); c.343A>T, p.Lys115Ter (NM_001354906.2, NM_001407470.1); c.85-45A>T (NM_001407472.1, NM_001407471.1); and 5 more; short protein forms K115*, K339*, K370*, K373*, K380*, K398*, K408*.
Identifiers: ClinVar variation 2583895 (VCV002583895.1), dbSNP rs765196085, ClinGen allele CA16023916.